The following is an entry in ClinVar:

ClinVar aggregate classification (germline): Uncertain significance. Review status: criteria provided, multiple submitters, no conflicts (2 of 4 stars). 2 submissions from 2 submitters: Uncertain significance (2). Last evaluated 2025-05-23.

Conditions:
Hereditary cancer-predisposing syndrome. Also called: Hereditary Cancer Syndrome; Hereditary neoplastic syndrome; Neoplastic Syndromes, Hereditary; Tumor predisposition. Identifiers: Orphanet 140162, MedGen C0027672, MeSH D009386, MONDO:0015356.

Allele frequency attached by ClinVar (database versions not stated): gnomAD exomes below 0.00001.
gnomAD v4.1: 2 of 1,599,050 alleles (0.00013%); highest among the groups gnomAD compares: Non-Finnish European, 0.00017%; no homozygotes.

Submissions (2):

Ambry Genetics
Classification: Uncertain significance for Hereditary cancer-predisposing syndrome. Last evaluated: 2025-05-23. Review status: criteria provided, single submitter. Criteria: Ambry Variant Classification Scheme 2023. Collection method: clinical testing. Allele origin: germline.
Comment: The p.S681G variant (also known as c.2041A>G), located in coding exon 19 of the POLE gene, results from an A to G substitution at nucleotide position 2041. The serine at codon 681 is replaced by glycine, an amino acid with similar properties. This amino acid position is conserved. In addition, this alteration is predicted to be tolerated by in silico analysis. Based on the available evidence, the clinical significance of this variant remains unclear.

Labcorp Genetics (formerly Invitae), Labcorp
Classification: Uncertain significance. Last evaluated: 2023-02-24. Review status: criteria provided, single submitter. Criteria: Invitae Variant Classification Sherloc (09022015). Collection method: clinical testing. Allele origin: germline.
Comment: In summary, the available evidence is currently insufficient to determine the role of this variant in disease. Therefore, it has been classified as a Variant of Uncertain Significance. Advanced modeling of protein sequence and biophysical properties (such as structural, functional, and spatial information, amino acid conservation, physicochemical variation, residue mobility, and thermodynamic stability) performed at Invitae indicates that this missense variant is not expected to disrupt POLE protein function. ClinVar contains an entry for this variant (Variation ID: 1064106). This variant has not been reported in the literature in individuals affected with POLE-related conditions. This variant is not present in population databases (gnomAD no frequency). This sequence change replaces serine, which is neutral and polar, with glycine, which is neutral and non-polar, at codon 681 of the POLE protein (p.Ser681Gly).

NM_006231.4(POLE):c.2041A>G (p.Ser681Gly)

Gene: POLE (DNA polymerase epsilon, catalytic subunit; minus strand). Cytogenetic location: 12q24.33.
Variant type: single nucleotide variant.
Coding change: c.2041A>G on transcript NM_006231.4 (MANE Select); coding-DNA position 2041, A replaced by G.
Protein change: p.Ser681Gly; replaces serine 681 with glycine.
Molecular consequence: missense variant.
Genome position (GRCh38, 1-based): chr12:132,668,488, T>C on the plus strand (A>G on the coding strand, the complement: POLE is on the minus strand). VCF-style: chr12-132668488-T-C. GRCh37 (hg19) VCF-style: chr12-133245074-T-C.
Other names: c.2041A>G (NM_006231.2); short protein forms S681G.
Identifiers: ClinVar variation 1064106 (VCV001064106.10), dbSNP rs2135976265, ClinGen allele CA387354411.